The following is an entry in ClinVar:

NM_000548.5(TSC2):c.5143A>G (p.Met1715Val)

Gene: TSC2 (TSC complex subunit 2; plus strand). Cytogenetic location: 16p13.3.
Variant type: single nucleotide variant.
Coding change: c.5143A>G on transcript NM_000548.5 (MANE Select); coding-DNA position 5143, A replaced by G.
Protein change: p.Met1715Val; replaces methionine 1715 with valine.
Molecular consequence: missense variant.
Genome position (GRCh38, 1-based): chr16:2,088,122, A>G. VCF-style: chr16-2088122-A-G. GRCh37 (hg19) VCF-style: chr16-2138123-A-G.
Other names: c.4942A>G, p.Met1648Val (NM_001077183.3); c.5074A>G, p.Met1692Val (NM_001114382.3); c.4834A>G, p.Met1612Val (NM_001318827.2); c.4798A>G, p.Met1600Val (NM_001318829.2); c.4411A>G, p.Met1471Val (NM_001318831.2); c.4975A>G, p.Met1659Val (NM_001318832.2); c.4945A>G, p.Met1649Val (NM_001363528.2); c.5011A>G, p.Met1671Val (NM_001370404.1); and 1 more; short protein forms M1715V, M1600V, M1648V, M1671V, M1612V, M1659V, M1672V, M1692V.
Identifiers: ClinVar variation 64967 (VCV000064967.18), dbSNP rs397514974, ClinGen allele CA021857.

ClinVar aggregate classification (germline): Uncertain significance. Review status: criteria provided, multiple submitters, no conflicts (2 of 4 stars). 6 submissions from 6 submitters: Uncertain significance (5). 1 of the submissions does not count toward it. Last evaluated 2025-09-19.

Conditions:
Tuberous sclerosis syndrome (TSC). Also called: Tuberous Sclerosis Complex; Tuberous sclerosis. Identifiers: Orphanet 805, MedGen C0041341, MONDO:0001734.
Tuberous sclerosis 2 (TSC2). Identifiers: Orphanet 805, MedGen C1860707, MONDO:0013199, OMIM 613254.
Hereditary cancer-predisposing syndrome. Also called: Tumor predisposition; Hereditary Cancer Syndrome; Neoplastic Syndromes, Hereditary; Hereditary neoplastic syndrome. Identifiers: Orphanet 140162, MedGen C0027672, MeSH D009386, MONDO:0015356.

Allele frequency attached by ClinVar (database versions not stated): gnomAD exomes below 0.00001.

Submissions (6):

Women's Health and Genetics/Laboratory Corporation of America, LabCorp
Classification: Uncertain significance. Last evaluated: 2025-09-19. Review status: criteria provided, single submitter. Criteria: LabCorp Variant Classification Summary - May 2015. Collection method: clinical testing. Allele origin: germline.
Comment: Variant summary: TSC2 c.5143A>G (p.Met1715Val) results in a conservative amino acid change in the encoded protein sequence. Algorithms developed to predict the effect of missense changes on protein structure and function are either unavailable or do not agree on the potential impact of this missense change. The variant was absent in 250390 control chromosomes. The available data on variant occurrences in the general population are insufficient to allow any conclusion about variant significance. To our knowledge, no occurrence of c.5143A>G in individuals affected with TSC2-related conditions and no experimental evidence demonstrating its impact on protein function have been reported. ClinVar contains an entry for this variant (Variation ID: 64967). Based on the evidence outlined above, the variant was classified as uncertain significance.

Labcorp Genetics (formerly Invitae), Labcorp
Classification: Uncertain significance for Tuberous sclerosis 2. Last evaluated: 2025-07-09. Review status: criteria provided, single submitter. Criteria: Invitae Variant Classification Sherloc (09022015). Collection method: clinical testing. Allele origin: germline.
Comment: This sequence change replaces methionine, which is neutral and non-polar, with valine, which is neutral and non-polar, at codon 1715 of the TSC2 protein (p.Met1715Val). This variant is not present in population databases (gnomAD no frequency). This missense change has been observed in individual(s) with clinical features of TSC2-related conditions (PMID: 21520333). ClinVar contains an entry for this variant (Variation ID: 64967). Invitae Evidence Modeling of protein sequence and biophysical properties (such as structural, functional, and spatial information, amino acid conservation, physicochemical variation, residue mobility, and thermodynamic stability) indicates that this missense variant is not expected to disrupt TSC2 protein function with a negative predictive value of 95%. In summary, the available evidence is currently insufficient to determine the role of this variant in disease. Therefore, it has been classified as a Variant of Uncertain Significance.

Ambry Genetics
Classification: Uncertain significance for Hereditary cancer-predisposing syndrome. Last evaluated: 2025-04-09. Review status: criteria provided, single submitter. Criteria: Ambry Variant Classification Scheme 2023. Collection method: clinical testing. Allele origin: germline.
Comment: The p.M1715V variant (also known as c.5143A>G), located in coding exon 39 of the TSC2 gene, results from an A to G substitution at nucleotide position 5143. The methionine at codon 1715 is replaced by valine, an amino acid with highly similar properties. This amino acid position is highly conserved in available vertebrate species. In addition, this alteration is predicted to be deleterious by in silico analysis. Since supporting evidence is limited at this time, the clinical significance of this alteration remains unclear.

All of Us Research Program, National Institutes of Health
Classification: Uncertain significance for Tuberous sclerosis syndrome. Last evaluated: 2023-05-16. Review status: criteria provided, single submitter. Criteria: ACMG Guidelines, 2015. Collection method: clinical testing. Allele origin: germline. Inheritance: Autosomal dominant inheritance. Observed: 1 variant allele, 1 heterozygote.
Comment: This missense variant replaces methionine with valine at codon 1715 of the TSC2 protein. Computational prediction suggests that this variant may have deleterious impact on protein structure and function (internally defined REVEL score threshold >= 0.7, PMID: 27666373). To our knowledge, functional studies have not been reported for this variant. This variant has not been reported in individuals affected with tuberous sclerosis complex in the literature. This variant has not been identified in the general population by the Genome Aggregation Database (gnomAD). The available evidence is insufficient to determine the role of this variant in disease conclusively. Therefore, this variant is classified as a Variant of Uncertain Significance.

This study involves interpretation of variants in research participants for the purpose of population health screening. Participant phenotype was not available at the time of variant classification. Additional details can be found in publication PMID: 35346344, PMCID: PMC8962531

Genome-Nilou Lab
Classification: Uncertain significance for Tuberous sclerosis 2. Last evaluated: 2021-11-07. Review status: criteria provided, single submitter. Criteria: ACMG Guidelines, 2015. Collection method: clinical testing. Allele origin: germline. Affected: no.

Tuberous sclerosis database (TSC2)
No classification provided. Condition: TSC. Review status: no classification provided. Criteria: Tuberous Sclerosis Database Assertion Criteria 2015. Collection method: curation. Allele origin: germline. Affected: yes. Not counted in ClinVar's aggregate classification.

Literature cited by the submitters: PubMed 21520333 (cited by Labcorp Genetics (formerly Invitae), Labcorp).